The following is an entry in ClinVar:

NM_022455.5(NSD1):c.5087_5088del (p.Arg1696fs)

Gene: NSD1 (nuclear receptor binding SET domain protein 1; plus strand). Cytogenetic location: 5q35.3.
Variant type: Deletion.
Coding change: c.5087_5088del on transcript NM_022455.5 (MANE Select); coding-DNA positions 5087 to 5088, 2 bases deleted (GG; older notation c.5087_5088delGG).
Protein change: p.Arg1696fs; shifts the reading frame from arginine 1696.
Molecular consequence: frameshift variant.
Genome position (GRCh38, 1-based): chr5:177,260,109-177,260,110, GG deleted. VCF-style (leftmost placement, unchanged base first): chr5-177260108-AGG-A. GRCh37 (hg19) VCF-style: chr5-176687109-AGG-A.
Other names: c.4214_4215del, p.Arg1405fs (NM_001409309.1, NM_172349.5, NM_001365684.2 and 1 more transcripts); c.5087_5088del, p.Arg1696fs (NM_001409301.1, NM_001409302.1, NM_001409303.1); c.4667_4668del, p.Arg1556fs (NM_001409304.1); c.4334_4335del, p.Arg1445fs (NM_001409305.1); c.4325_4326del, p.Arg1442fs (NM_001409306.1, NM_001409307.1); short protein forms R1696fs, R1445fs, R1556fs, R1442fs, R1405fs.
Identifiers: ClinVar variation 3651829 (VCV003651829.2).

ClinVar aggregate classification (germline): Pathogenic (1 of 4 stars; one submission).

Submission:

Labcorp Genetics (formerly Invitae), Labcorp
Classification: Pathogenic. Last evaluated: 2024-05-01. Review status: criteria provided, single submitter. Criteria: Invitae Variant Classification Sherloc (09022015). Collection method: clinical testing. Allele origin: germline.
Comment: This sequence change creates a premature translational stop signal (p.Arg1696Thrfs*7) in the NSD1 gene. It is expected to result in an absent or disrupted protein product. Loss-of-function variants in NSD1 are known to be pathogenic (PMID: 12464997, 14571271, 15942875, 16247291). This variant is not present in population databases (gnomAD no frequency). This variant has not been reported in the literature in individuals affected with NSD1-related conditions. For these reasons, this variant has been classified as Pathogenic.

Literature cited by the submitters: PubMed 12464997; PubMed 14571271; PubMed 15942875; PubMed 16247291.